The following continues an entry in ClinVar:

NM_000540.3(RYR1):c.10648C>T (p.Arg3550Trp)

Gene: RYR1. ClinVar aggregate classification (germline): Likely pathogenic. Likely pathogenic (1).

Submissions 8 to 19 of 19:

Women's Health and Genetics/Laboratory Corporation of America, LabCorp
Classification: Likely pathogenic for Congenital multicore myopathy with external ophthalmoplegia. Last evaluated: 2025-01-07. Review status: criteria provided, single submitter. Criteria: LabCorp Variant Classification Summary - May 2015. Collection method: clinical testing. Allele origin: germline. Not counted in ClinVar's aggregate classification.
Comment: Variant summary: RYR1 c.10648C>T (p.Arg3550Trp) results in a non-conservative amino acid change in the encoded protein sequence. Five of five in-silico tools predict a damaging effect of the variant on protein function. The variant allele was found at a frequency of 0.00025 in 251424 control chromosomes (gnomAD). This frequency is not significantly higher than estimated for a pathogenic variant in RYR1 causing Congenital multicore myopathy with external ophthalmoplegia (0.00025 vs 0.0011), allowing no conclusion about variant significance. c.10648C>T has been reported in the literature in individuals affected with autosomal recessive congenital myopathy (Laughlin_2017, Peddareddygari_2019, Beecroft_2020). These data indicate that the variant is likely to be associated with disease. To our knowledge, no experimental evidence demonstrating an impact on protein function has been reported. The following publications have been ascertained in the context of this evaluation (PMID: 29178655, 32153140, 31135626). ClinVar contains an entry for this variant (Variation ID: 281479). Based on the evidence outlined above, the variant was classified as likely pathogenic.

Blueprint Genetics
Classification: Uncertain significance. Last evaluated: 2024-10-24. Review status: criteria provided, single submitter. Criteria: ACMG Guidelines, 2015. Collection method: clinical testing. Allele origin: germline. Not counted in ClinVar's aggregate classification.

Fulgent Genetics
Classification: Likely pathogenic for Central core myopathy; Malignant hyperthermia, susceptibility to, 1; Congenital multicore myopathy with external ophthalmoplegia; King Denborough syndrome. Last evaluated: 2024-05-07. Review status: criteria provided, single submitter. Criteria: ACMG Guidelines, 2015. Collection method: clinical testing. Allele origin: germline. Not counted in ClinVar's aggregate classification.

CeGaT Center for Human Genetics Tuebingen
Classification: Likely pathogenic. Last evaluated: 2024-04-01. Review status: criteria provided, single submitter. Criteria: CeGaT Center For Human Genetics Tuebingen Variant Classification Criteria Version 2. Collection method: clinical testing. Allele origin: germline. Affected: yes. Observed: 2 variant alleles. Not counted in ClinVar's aggregate classification.
Comment: RYR1: PM3:Strong, PM2:Supporting, PP3

Genetics and Genomic Medicine Centre, NeuroGen Healthcare, NeuroGen Healthcare
Classification: Uncertain significance for Central core myopathy. Last evaluated: 2024-03-25. Review status: criteria provided, single submitter. Criteria: ACMG Guidelines, 2015. Collection method: clinical testing. Allele origin: unknown. Affected: yes. Not counted in ClinVar's aggregate classification.

Laboratory for Molecular Medicine, Mass General Brigham Personalized Medicine
Classification: Uncertain significance for Central core myopathy. Last evaluated: 2023-08-07. Review status: criteria provided, single submitter. Criteria: ACMG Guidelines, 2015. Collection method: clinical testing. Allele origin: germline. Not counted in ClinVar's aggregate classification.
Comment: The p.Arg3550Trp variant in RYR1 has been reported as compound heterozyguos with a pathogenic/likely pathogenic variant in at least two individuals with myopathy (Laughlin 2017 PMID: 29178655; Peddareddygari 2019 PMID: 31135626). It segreagated with disease in one family, but in a second family was not detected in a son of an affected proband who had some features of myopathy. It has also been identified in 0.15% (7/4824) of South Asian chromosomes and 0.013% (2/15276) of Latine/Admixed American chromosomes by gnomAD. This variant has been reported in ClinVar (Variation ID 281479). Computational prediction tools and conservation analyses suggest that this variant may impact the protein, though this information is not predictive enough to determine pathogenicity. In summary, while there is some suspicion for a pathogenic role, the clinical significance of this variant is uncertain. ACMG/AMP Criteria applied: PM3, PP1, PP3

Color Diagnostics, LLC DBA Color Health
Classification: Likely benign for Malignant hyperthermia, susceptibility to, 1. Last evaluated: 2022-08-03. Review status: criteria provided, single submitter. Criteria: ACMG Guidelines, 2015. Collection method: clinical testing. Allele origin: germline. Not counted in ClinVar's aggregate classification.

Dubai Health Genomic Medicine Center, Dubai Health
Classification: Likely benign. Last evaluated: 2020-09-07. Review status: criteria provided, single submitter. Criteria: ACMG Guidelines, 2015. Collection method: clinical testing. Allele origin: germline. Affected: yes. Not counted in ClinVar's aggregate classification.

Illumina Laboratory Services, Illumina
Classification: Likely benign for Malignant hyperthermia, susceptibility to, 1. Last evaluated: 2018-01-13. Review status: criteria provided, single submitter. Criteria: ICSL Variant Classification Criteria 13 December 2019. Collection method: clinical testing. Allele origin: germline. Not counted in ClinVar's aggregate classification.
Comment: This variant was observed in the ICSL laboratory as part of a predisposition screen in an ostensibly healthy population. It had not been previously curated by ICSL or reported in the Human Gene Mutation Database (HGMD: prior to June 1st, 2018), and was therefore a candidate for classification through an automated scoring system. Utilizing variant allele frequency, disease prevalence and penetrance estimates, and inheritance mode, an automated score was calculated to assess if this variant is too frequent to cause the disease. Based on the score and internal cut-off values, a variant classified as likely benign is not then subjected to further curation. The score for this variant resulted in a classification of likely benign for this disease.

Illumina Laboratory Services, Illumina
Classification: Uncertain significance for Congenital multicore myopathy with external ophthalmoplegia. Last evaluated: 2018-01-13. Review status: criteria provided, single submitter. Criteria: ICSL Variant Classification Criteria 13 December 2019. Collection method: clinical testing. Allele origin: germline. Not counted in ClinVar's aggregate classification.

Eurofins Ntd Llc (ga)
Classification: Uncertain significance. Last evaluated: 2015-06-22. Review status: criteria provided, single submitter. Criteria: EGL Classification Definitions 2015. Collection method: clinical testing. Allele origin: germline. Observed: 1 variant allele, 1 heterozygote. Not counted in ClinVar's aggregate classification.

Kariminejad - Najmabadi Pathology & Genetics Center
Classification: Likely pathogenic for Congenital multicore myopathy with external ophthalmoplegia. Review status: criteria provided, single submitter. Criteria: ACMG Guidelines, 2015. Collection method: clinical testing. Allele origin: germline. Affected: no. Not counted in ClinVar's aggregate classification.

Literature cited by the submitters: PubMed 31135626 (cited by 5 submitters); PubMed 29178655 (cited by 5 submitters); PubMed 32337335 (cited by Ambry Genetics); PubMed 31321302 (cited by Labcorp Genetics (formerly Invitae), Labcorp); PubMed 32153140 (cited by Women's Health and Genetics/Laboratory Corporation of America, LabCorp).